The following is an entry in ClinVar:

ClinVar aggregate classification (germline): Pathogenic (1 of 4 stars; one submission).

Conditions:
Hypertrophic cardiomyopathy. Also called: HYPERTROPHIC MYOCARDIOPATHY. Identifiers: Orphanet 217569, MedGen C0007194, MeSH D002312, MONDO:0005045, HP:0001639.

Submission:

Labcorp Genetics (formerly Invitae), Labcorp
Classification: Pathogenic for Hypertrophic cardiomyopathy. Last evaluated: 2019-10-04. Review status: criteria provided, single submitter. Criteria: Invitae Variant Classification Sherloc (09022015). Collection method: clinical testing. Allele origin: germline.
Comment: This sequence change creates a premature translational stop signal (p.Arg641Thrfs*25) in the MYBPC3 gene. It is expected to result in an absent or disrupted protein product. This variant is not present in population databases (ExAC no frequency). This variant has not been reported in the literature in individuals with MYBPC3-related conditions. Loss-of-function variants in MYBPC3 are known to be pathogenic (PMID: 19574547). For these reasons, this variant has been classified as Pathogenic.

Literature cited by the submitters: PubMed 19574547.

NM_000256.3(MYBPC3):c.1922_1923del (p.Arg641fs)

Gene: MYBPC3 (myosin binding protein C3; minus strand). Cytogenetic location: 11p11.2.
Variant type: Deletion.
Coding change: c.1922_1923del on transcript NM_000256.3 (MANE Select); coding-DNA positions 1922 to 1923, 2 bases deleted (GG; older notation c.1922_1923delGG).
Protein change: p.Arg641fs; shifts the reading frame from arginine 641.
Molecular consequence: frameshift variant.
Genome position (GRCh38, 1-based): chr11:47,341,007-47,341,008, CC deleted on the plus strand (GG on the coding strand, the reverse complement: MYBPC3 is on the minus strand). VCF-style (leftmost placement, unchanged base first): chr11-47341006-GCC-G. GRCh37 (hg19) VCF-style: chr11-47362557-GCC-G.
Other names: short protein forms R641fs.
Identifiers: ClinVar variation 967128 (VCV000967128.7), dbSNP rs2095887873, ClinGen allele CA1139659409.